The following is an entry in ClinVar:

ClinVar aggregate classification (germline): Uncertain significance (1 of 4 stars; one submission).

Submission:

Laboratorio de Genetica e Diagnostico Molecular, Hospital Israelita Albert Einstein
Classification: Uncertain significance. Last evaluated: 2020-01-22. Review status: criteria provided, single submitter. Criteria: ACMG Guidelines, 2015. Collection method: clinical testing. Allele origin: germline. Affected: yes.
Comment: ACMG classification criteria: PM2, BP4

NM_007118.4(TRIO):c.540+9C>T

Gene: TRIO (trio Rho guanine nucleotide exchange factor; plus strand). Cytogenetic location: 5p15.2.
Variant type: single nucleotide variant.
Coding change: c.540+9C>T on transcript NM_007118.4 (MANE Select); 9 bases into the intron after coding-DNA position 540, C replaced by T.
Molecular consequence: intron variant.
Genome position (GRCh38, 1-based): chr5:14,287,072, C>T. VCF-style: chr5-14287072-C-T. GRCh37 (hg19) VCF-style: chr5-14287181-C-T.
Identifiers: ClinVar variation 1690781 (VCV001690781.2), dbSNP rs2152281819, ClinGen allele CA645541041.